The following is an entry in ClinVar:

ClinVar aggregate classification (germline): Uncertain significance (1 of 4 stars; one submission).

Allele frequency attached by ClinVar (database versions not stated): gnomAD exomes below 0.00001; gnomAD 0.00001; ExAC 0.00002; 1000 Genomes Project 0.00020; 1000 Genomes Project 30x 0.00031.
gnomAD v4.1: 7 of 1,613,496 alleles (0.00043%); highest among the groups gnomAD compares: South Asian, 0.0044%; no homozygotes.

Submission:

GeneDx
Classification: Uncertain significance. Last evaluated: 2022-09-07. Review status: criteria provided, single submitter. Criteria: GeneDx Variant Classification Process June 2021. Collection method: clinical testing. Allele origin: germline. Affected: yes.
Comment: In silico analysis supports that this missense variant has a deleterious effect on protein structure/function; Has not been previously published as pathogenic or benign to our knowledge

NM_001374736.1(DST):c.3571C>T (p.His1191Tyr)

Gene: DST (dystonin; minus strand). Cytogenetic location: 6p12.1.
Variant type: single nucleotide variant.
Coding change: c.3571C>T on transcript NM_001374736.1 (MANE Select); coding-DNA position 3571, C replaced by T.
Protein change: p.His1191Tyr; replaces histidine 1191 with tyrosine.
Molecular consequence: missense variant.
Genome position (GRCh38, 1-based): chr6:56,634,182, G>A on the plus strand (C>T on the coding strand, the complement: DST is on the minus strand). VCF-style: chr6-56634182-G-A. GRCh37 (hg19) VCF-style: chr6-56498980-G-A.
Other names: c.3472C>T, p.His1158Tyr (NM_001144769.5); c.3058C>T, p.His1020Tyr (NM_001144770.2); c.3571C>T, p.His1191Tyr (NM_001374722.1); c.2938C>T, p.His980Tyr (NM_001374729.1, NM_001374730.1, NM_001386100.1 and 1 more transcripts); c.3598C>T, p.His1200Tyr (NM_001374734.1); c.1960C>T, p.His654Tyr (NM_001723.7, NM_015548.5); short protein forms H1020Y, H1158Y, H1191Y, H1200Y, H654Y, H980Y.
Identifiers: ClinVar variation 2499256 (VCV002499256.1), dbSNP rs577671918, ClinGen allele CA3871129.